The following is an entry in ClinVar:

NM_001348800.3(ZBTB20):c.263A>G (p.Asn88Ser)

Genes: ZBTB20 (zinc finger and BTB domain containing 20; minus strand), ZBTB20-AS1 (ZBTB20 antisense RNA 1; plus strand). Cytogenetic location: 3q13.31.
Variant type: single nucleotide variant.
Coding change: c.263A>G on transcript NM_001348800.3 (MANE Select); coding-DNA position 263, A replaced by G.
Protein change: p.Asn88Ser; replaces asparagine 88 with serine.
Molecular consequence: missense variant. On other transcripts: non-coding transcript variant (1).
Genome position (GRCh38, 1-based): chr3:114,351,815, T>C on the plus strand (A>G on the coding strand, the complement: ZBTB20 is on the minus strand). VCF-style: chr3-114351815-T-C. GRCh37 (hg19) VCF-style: chr3-114070662-T-C.
Other names: c.263A>G, p.Asn88Ser (NM_001164342.2, NM_001348803.3, NM_001393393.1 and 1 more transcripts); c.44A>G, p.Asn15Ser (NM_001164343.2, NM_001164344.4, NM_001164345.4 and 9 more transcripts); short protein forms N88S, N15S.
Identifiers: ClinVar variation 2762532 (VCV002762532.3), dbSNP rs1475363784, ClinGen allele CA354017849.

ClinVar aggregate classification (germline): Uncertain significance (1 of 4 stars; one submission).

Submission:

Labcorp Genetics (formerly Invitae), Labcorp
Classification: Uncertain significance. Last evaluated: 2025-10-13. Review status: criteria provided, single submitter. Criteria: Invitae Variant Classification Sherloc (09022015). Collection method: clinical testing. Allele origin: germline.
Comment: This sequence change replaces asparagine, which is neutral and polar, with serine, which is neutral and polar, at codon 88 of the ZBTB20 protein (p.Asn88Ser). This variant is present in population databases (no rsID available, gnomAD 0.0009%). This variant has not been reported in the literature in individuals affected with ZBTB20-related conditions. ClinVar contains an entry for this variant (Variation ID: 2762532). Invitae Evidence Modeling of protein sequence and biophysical properties (such as structural, functional, and spatial information, amino acid conservation, physicochemical variation, residue mobility, and thermodynamic stability) indicates that this missense variant is not expected to disrupt ZBTB20 protein function with a negative predictive value of 95%. In summary, the available evidence is currently insufficient to determine the role of this variant in disease. Therefore, it has been classified as a Variant of Uncertain Significance.